The following is an entry in ClinVar:

NM_017617.5(NOTCH1):c.1986C>T (p.Tyr662=)

Gene: NOTCH1 (notch receptor 1; minus strand). Cytogenetic location: 9q34.3.
Variant type: single nucleotide variant.
Coding change: c.1986C>T on transcript NM_017617.5 (MANE Select); coding-DNA position 1986, C replaced by T.
Protein change: p.Tyr662=; no amino-acid change (tyrosine 662 retained).
Molecular consequence: synonymous variant.
Genome position (GRCh38, 1-based): chr9:136,515,318, G>A on the plus strand (C>T on the coding strand, the complement: NOTCH1 is on the minus strand). VCF-style: chr9-136515318-G-A. GRCh37 (hg19) VCF-style: chr9-139409770-G-A.
Identifiers: ClinVar variation 711455 (VCV000711455.32), dbSNP rs749156185, ClinGen allele CA5341547.
Genomic context (GRCh38, chr9:136,515,318, plus strand): 5'-TGCAGTCAGCCCCCACGTGCAGGGCCGCTCACCTGTGTAGCCCGGCTCACAGGCACACTC[G>A]TAGCCATCGATCTTGTCCAGACAGGTGCCCGAGTCGCAGGGGCTGCTGGCACAGTCATCC-3'
Protein context (NP_060087.3, residues 652-672): SGTCLDKIDG[Tyr662=]ECACEPGYTG

ClinVar aggregate classification (germline): Likely benign. Review status: criteria provided, multiple submitters, no conflicts (2 of 4 stars). 3 submissions from 3 submitters: Likely benign (3). Last evaluated 2026-01-17.

Conditions:
Familial thoracic aortic aneurysm and aortic dissection (TAAD). Also called: Thoracic aortic aneurysms and dissections. Identifiers: Orphanet 91387, MedGen C4707243, MONDO:0019625.
Adams-Oliver syndrome 5 (AOS5). Identifiers: Orphanet 974, MedGen C4014970, MONDO:0014459, OMIM 616028.

Allele frequency attached by ClinVar (database versions not stated): gnomAD 0.00001 and 0.00002; gnomAD exomes 0.00002 and 0.00004; ExAC 0.00003; TOPMed 0.00003.
gnomAD v4.1: 41 of 1,612,860 alleles (0.0025%); highest among the groups gnomAD compares: Middle Eastern, 0.016%; 1 homozygote.

Submissions (3):

Labcorp Genetics (formerly Invitae), Labcorp
Classification: Likely benign for Adams-Oliver syndrome 5. Last evaluated: 2026-01-17. Review status: criteria provided, single submitter. Criteria: Invitae Variant Classification Sherloc (09022015). Collection method: clinical testing. Allele origin: germline.

CeGaT Center for Human Genetics Tuebingen
Classification: Likely benign. Last evaluated: 2024-03-01. Review status: criteria provided, single submitter. Criteria: CeGaT Center For Human Genetics Tuebingen Variant Classification Criteria Version 2. Collection method: clinical testing. Allele origin: germline. Affected: yes. Observed: 1 variant allele.
Comment: NOTCH1: BP4, BP7

Ambry Genetics
Classification: Likely benign for Familial thoracic aortic aneurysm and aortic dissection. Last evaluated: 2022-11-04. Review status: criteria provided, single submitter. Criteria: Ambry Variant Classification Scheme 2023. Collection method: clinical testing. Allele origin: germline.